The following is an entry in ClinVar:

NM_016004.5(IFT52):c.159_160delinsAG (p.Lys54Glu)

Gene: IFT52 (intraflagellar transport 52; plus strand). Cytogenetic location: 20q13.12.
Variant type: Indel.
Coding change: c.159_160delinsAG on transcript NM_016004.5 (MANE Select); coding-DNA positions 159 to 160, GA replaced by AG.
Protein change: p.Lys54Glu; replaces lysine 54 with glutamic acid.
Molecular consequence: missense variant. On other transcripts: 5 prime UTR variant (4).
Genome position (GRCh38, 1-based): chr20:43,596,474-43,596,475, GA replaced by AG. VCF-style: chr20-43596474-GA-AG. GRCh37 (hg19) VCF-style: chr20-42225114-GA-AG.
Other names: c.159_160delinsAG, p.Lys54Glu (NM_001303458.3, NM_001303459.3); c.-513_-512delinsAG (NM_001323578.2, NM_001323580.2); c.-606_-605delinsAG (NM_001323579.2, NM_001323581.2); short protein forms K54E.
Identifiers: ClinVar variation 2122172 (VCV002122172.4), dbSNP rs2515625226, ClinGen allele CA2580098173.

ClinVar aggregate classification (germline): Uncertain significance (1 of 4 stars; one submission).

Submission:

Labcorp Genetics (formerly Invitae), Labcorp
Classification: Uncertain significance. Last evaluated: 2022-04-06. Review status: criteria provided, single submitter. Criteria: Invitae Variant Classification Sherloc (09022015). Collection method: clinical testing. Allele origin: germline.
Comment: In summary, the available evidence is currently insufficient to determine the role of this variant in disease. Therefore, it has been classified as a Variant of Uncertain Significance. Experimental studies and prediction algorithms are not available or were not evaluated, and the functional significance of this variant is currently unknown. This variant has not been reported in the literature in individuals affected with IFT52-related conditions. Information on the frequency of this variant in the gnomAD database is not available, as this variant may be reported differently in the database. This sequence change replaces lysine, which is basic and polar, with glutamic acid, which is acidic and polar, at codon 54 of the IFT52 protein (p.Lys54Glu).